The following is an entry in ClinVar:

NM_032536.4(NTNG2):c.600dup (p.Arg201fs)

Gene: NTNG2 (netrin G2; plus strand). Cytogenetic location: 9q34.13.
Variant type: Duplication.
Coding change: c.600dup on transcript NM_032536.4 (MANE Select); coding-DNA position 600, one base duplicated (G; older notation c.600dupG).
Protein change: p.Arg201fs; shifts the reading frame from arginine 201.
Molecular consequence: frameshift variant.
Genome position (GRCh38, 1-based): chr9:132,198,352, G duplicated. VCF-style (leftmost placement, unchanged base first): chr9-132198351-C-CG. GRCh37 (hg19) VCF-style: chr9-135073738-C-CG.
Other names: short protein forms R201fs.
Identifiers: ClinVar variation 4886259 (VCV004886259.2).
Genomic context (GRCh38, chr9:132,198,351, plus strand): 5'-GCCGGGCCCGCGACATGTCATCCTCCAGCGCGCACCGCGTGCTCTGCACCGAGGAGTACT[C>CG]GCGCTGGGCAGGCTCCAAGAAGGAGAAGCACGTGCGCTTCGAGGTGCGGGACCGCTTCGC-3'

ClinVar aggregate classification (germline): Uncertain significance (1 of 4 stars; one submission).

Submission:

Dasa
Classification: Uncertain significance. Last evaluated: 2025-02-24. Review status: criteria provided, single submitter. Criteria: DASA Assertion Criteria. Collection method: clinical testing. Allele origin: germline.
Comment: NM_032536.4(NTNG2):c.600dup (p.Arg201Alafs*166) is a frameshift variant in NTNG2 predicted to alter the reading frame and introduce a premature termination codon. This variant is absent from population databases. The currently available literature and clinical evidence are not sufficient to establish a definitive association between this variant and the reported condition. Therefore, this variant is classified as a variant of uncertain significance.